The following is an entry in ClinVar:

NM_002246.3(KCNK3):c.306C>A (p.Ser102Arg)

Gene: KCNK3 (potassium two pore domain channel subfamily K member 3; plus strand). Cytogenetic location: 2p23.3.
Variant type: single nucleotide variant.
Coding change: c.306C>A on transcript NM_002246.3 (MANE Select); coding-DNA position 306, C replaced by A.
Protein change: p.Ser102Arg; replaces serine 102 with arginine.
Molecular consequence: missense variant.
Genome position (GRCh38, 1-based): chr2:26,727,689, C>A. VCF-style: chr2-26727689-C-A. GRCh37 (hg19) VCF-style: chr2-26950557-C-A.
Other names: short protein forms S102R.
Identifiers: ClinVar variation 4686552 (VCV004686552.1).
Genomic context (GRCh38, chr2:26,727,689, plus strand): 5'-AATGTGTGCTTTTTCTCCTCTTTCCCACTTTCCCCCAGGCTACGGGCACGCGGCACCCAG[C>A]ACGGATGGCGGCAAGGTGTTCTGCATGTTCTACGCGCTGCTGGGCATCCCGCTCACGCTC-3'
Protein context (NP_002237.1, residues 92-112): TTIGYGHAAP[Ser102Arg]TDGGKVFCMF

ClinVar aggregate classification (germline): Uncertain significance (1 of 4 stars; one submission).

Submission:

GeneDx
Classification: Uncertain significance. Last evaluated: 2025-07-18. Review status: criteria provided, single submitter. Criteria: GeneDx Variant Classification Process June 2021. Collection method: clinical testing. Allele origin: germline. Affected: yes.
Comment: Not observed at significant frequency in large population cohorts (gnomAD); In silico analysis suggests that this missense variant does not alter protein structure/function; Has not been previously published as pathogenic or benign to our knowledge